The following is an entry in ClinVar:

NM_018180.3(DHX32):c.433G>T (p.Val145Leu)

Gene: DHX32 (DEAH-box helicase 32 (putative); minus strand). Cytogenetic location: 10q26.2.
Variant type: single nucleotide variant.
Coding change: c.433G>T on transcript NM_018180.3 (MANE Select); coding-DNA position 433, G replaced by T.
Protein change: p.Val145Leu; replaces valine 145 with leucine.
Molecular consequence: missense variant.
Genome position (GRCh38, 1-based): chr10:125,867,033, C>A on the plus strand (G>T on the coding strand, the complement: DHX32 is on the minus strand). VCF-style: chr10-125867033-C-A. GRCh37 (hg19) VCF-style: chr10-127555602-C-A.
Other names: short protein forms V145L.
Identifiers: ClinVar variation 2742394 (VCV002742394.3), dbSNP rs141167178, ClinGen allele CA378679854.

ClinVar aggregate classification (germline): Uncertain significance (1 of 4 stars; one submission).

Submission:

Labcorp Genetics (formerly Invitae), Labcorp
Classification: Uncertain significance. Last evaluated: 2023-07-12. Review status: criteria provided, single submitter. Criteria: Invitae Variant Classification Sherloc (09022015). Collection method: clinical testing. Allele origin: germline.
Comment: In summary, the available evidence is currently insufficient to determine the role of this variant in disease. Therefore, it has been classified as a Variant of Uncertain Significance. An algorithm developed to predict the effect of missense changes on protein structure and function (PolyPhen-2) suggests that this variant is likely to be tolerated. This variant has not been reported in the literature in individuals affected with DHX32-related conditions. This variant is not present in population databases (gnomAD no frequency). This sequence change replaces valine, which is neutral and non-polar, with leucine, which is neutral and non-polar, at codon 145 of the DHX32 protein (p.Val145Leu).